The following is an entry in ClinVar:

ClinVar aggregate classification (germline): Pathogenic (1 of 4 stars; one submission).

Conditions:
Hereditary diffuse gastric adenocarcinoma (HDGC). Also called: DIFFUSE GASTRIC AND LOBULAR BREAST CANCER SYNDROME. Identifiers: Orphanet 26106, MedGen C1708349, MONDO:0007648, OMIM 137215.

Submission:

Myriad Genetics, Inc.
Classification: Pathogenic for Hereditary diffuse gastric adenocarcinoma. Last evaluated: 2023-06-14. Review status: criteria provided, single submitter. Criteria: Myriad Autosomal Dominant, Autosomal Recessive and X-Linked Classification Criteria (2023). Collection method: clinical testing. Allele origin: unknown.
Comment: This variant is considered pathogenic. This variant creates a frameshift predicted to result in premature protein truncation.

NM_004360.5(CDH1):c.1889del (p.Leu630fs)

Gene: CDH1 (cadherin 1; plus strand). Cytogenetic location: 16q22.1.
Variant type: Deletion.
Coding change: c.1889del on transcript NM_004360.5 (MANE Select); coding-DNA position 1889, one base deleted (T; older notation c.1889delT).
Protein change: p.Leu630fs; shifts the reading frame from leucine 630.
Molecular consequence: frameshift variant. On other transcripts: 5 prime UTR variant (1).
Genome position (GRCh38, 1-based): chr16:68,822,178, T deleted. VCF-style (leftmost placement, unchanged base first): chr16-68822177-CT-C. GRCh37 (hg19) VCF-style: chr16-68856080-CT-C.
Other names: c.-77del (NM_001317186.2); c.1706del, p.Leu569fs (NM_001317184.2); c.341del, p.Leu114fs (NM_001317185.2); short protein forms L114fs, L569fs, L630fs.
Identifiers: ClinVar variation 2583644 (VCV002583644.2), dbSNP rs2543942807, ClinGen allele CA2582342531.
Genomic context (GRCh38, chr16:68,822,177, plus strand): 5'-CAGGTCATAAACATCATTGATGCAGACCTTCCTCCCAATACATCTCCCTTCACAGCAGAA[CT>C]AACACACGGGGCGAGTGCCAACTGGACCATTCAGTACAACGACCCAAGTGGGTACCTGAG-3'